The following is an entry in ClinVar:

ClinVar aggregate classification (germline): Uncertain significance (1 of 4 stars; one submission).

Conditions:
PKD1-related disorder. Also called: PKD1-related condition.

Submission:

PreventionGenetics, part of Exact Sciences
Classification: Uncertain significance for PKD1-related condition. Last evaluated: 2024-12-03. Review status: criteria provided, single submitter. Criteria: ACMG Guidelines, 2015. Collection method: clinical testing. Allele origin: germline.
Comment: The PKD1 c.3940A>C variant is predicted to result in the amino acid substitution p.Thr1314Pro. To our knowledge, this variant has not been reported in the literature or in a large population database (gnomAD), indicating this variant is rare. At this time, the clinical significance of this variant is uncertain due to the absence of conclusive functional and genetic evidence.

NM_001009944.3(PKD1):c.3940A>C (p.Thr1314Pro)

Gene: PKD1 (polycystin 1, transient receptor potential channel interacting; minus strand). Cytogenetic location: 16p13.3.
Variant type: single nucleotide variant.
Coding change: c.3940A>C on transcript NM_001009944.3 (MANE Select); coding-DNA position 3940, A replaced by C.
Protein change: p.Thr1314Pro; replaces threonine 1314 with proline.
Molecular consequence: missense variant.
Genome position (GRCh38, 1-based): chr16:2,111,227, T>G on the plus strand (A>C on the coding strand, the complement: PKD1 is on the minus strand). VCF-style: chr16-2111227-T-G. GRCh37 (hg19) VCF-style: chr16-2161228-T-G.
Other names: c.3940A>C, p.Thr1314Pro (NM_000296.4); short protein forms T1314P.
Identifiers: ClinVar variation 5002157 (VCV005002157.1).
Genomic context (GRCh38, chr16:2,111,227, plus strand): 5'-AGCCATCCCCGAAGGTCCAGTCGAAGAGGTAGTGGGCCGGGTTCCCGGTGACGTAGGCCG[T>G]GAGCCGCGCGTCAGGCTGCGTGGGGATGCAGGCGGCGGGTTCAACGCGCAGCACCTCCAG-3'
Protein context (NP_001009944.3, residues 1304-1324): CIPTQPDARL[Thr1314Pro]AYVTGNPAHY